The following is an entry in ClinVar:

ClinVar aggregate classification (germline): Uncertain significance. Review status: criteria provided, multiple submitters, no conflicts (2 of 4 stars). 3 submissions from 3 submitters: Uncertain significance (3). Last evaluated 2025-03-10.

Conditions:
Familial focal epilepsy with variable foci (FPEVF). Identifiers: Orphanet 98820, MedGen C1858477, MONDO:0020310.

Allele frequency attached by ClinVar (database versions not stated): TOPMed below 0.00001.

Submissions (3):

Labcorp Genetics (formerly Invitae), Labcorp
Classification: Uncertain significance for Familial focal epilepsy with variable foci. Last evaluated: 2025-03-10. Review status: criteria provided, single submitter. Criteria: Invitae Variant Classification Sherloc (09022015). Collection method: clinical testing. Allele origin: germline.
Comment: This sequence change replaces phenylalanine, which is neutral and non-polar, with leucine, which is neutral and non-polar, at codon 204 of the DEPDC5 protein (p.Phe204Leu). This variant is not present in population databases (gnomAD no frequency). This missense change has been observed in individual(s) with clinical features of DEPDC5-related conditions (internal data). ClinVar contains an entry for this variant (Variation ID: 1163675). Experimental studies and prediction algorithms are not available or were not evaluated, and the functional significance of this variant is currently unknown. In summary, the available evidence is currently insufficient to determine the role of this variant in disease. Therefore, it has been classified as a Variant of Uncertain Significance.

GeneDx
Classification: Uncertain significance. Last evaluated: 2024-04-09. Review status: criteria provided, single submitter. Criteria: GeneDx Variant Classification Process June 2021. Collection method: clinical testing. Allele origin: germline. Affected: yes.
Comment: Not observed at significant frequency in large population cohorts (gnomAD); In silico analysis supports that this missense variant has a deleterious effect on protein structure/function; Has not been previously published as pathogenic or benign to our knowledge

Mayo Clinic Laboratories, Mayo Clinic
Classification: Uncertain significance. Last evaluated: 2020-10-22. Review status: criteria provided, single submitter. Criteria: ACMG Guidelines, 2015. Collection method: clinical testing. Allele origin: germline. Observed: 1 variant allele.

NM_001242896.3(DEPDC5):c.610T>C (p.Phe204Leu)

Gene: DEPDC5 (DEP domain containing 5, GATOR1 subcomplex subunit; plus strand). Cytogenetic location: 22q12.2.
Variant type: single nucleotide variant.
Coding change: c.610T>C on transcript NM_001242896.3 (MANE Select); coding-DNA position 610, T replaced by C.
Protein change: p.Phe204Leu; replaces phenylalanine 204 with leucine.
Molecular consequence: missense variant. On other transcripts: non-coding transcript variant (5).
Genome position (GRCh38, 1-based): chr22:31,784,861, T>C. VCF-style: chr22-31784861-T-C. GRCh37 (hg19) VCF-style: chr22-32180847-T-C.
Other names: c.610T>C, p.Phe204Leu (NM_001007188.4, NM_001136029.4, NM_001242897.2 and 7 more transcripts); c.526T>C, p.Phe176Leu (NM_001369901.1, NM_001369902.1); short protein forms F176L, F204L.
Identifiers: ClinVar variation 1163675 (VCV001163675.13), dbSNP rs2084819937, ClinGen allele CA411286308.
Genomic context (GRCh38, chr22:31,784,861, plus strand): 5'-TGTTTCTTTTCAGGGGATTTGTATTTTGAGAAAGCTGTGAATGGTTTCCTTGCTGATCTA[T>C]TTACCAAGTGGAAGGTACATTTCTTCTTACACACTAAGTCTCATTATGTAAACATTACTC-3'
Protein context (NP_001229825.1, residues 194-214): KAVNGFLADL[Phe204Leu]TKWKEKNCSH